The following is an entry in ClinVar:

NM_020765.3(UBR4):c.11945A>G (p.Glu3982Gly)

Gene: UBR4 (ubiquitin protein ligase E3 component n-recognin 4; minus strand). Cytogenetic location: 1p36.13.
Variant type: single nucleotide variant.
Coding change: c.11945A>G on transcript NM_020765.3 (MANE Select); coding-DNA position 11945, A replaced by G.
Protein change: p.Glu3982Gly; replaces glutamic acid 3982 with glycine.
Molecular consequence: missense variant.
Genome position (GRCh38, 1-based): chr1:19,110,412, T>C on the plus strand (A>G on the coding strand, the complement: UBR4 is on the minus strand). VCF-style: chr1-19110412-T-C. GRCh37 (hg19) VCF-style: chr1-19436906-T-C.
Other names: short protein forms E3982G.
Identifiers: ClinVar variation 2637308 (VCV002637308.1), dbSNP rs2526838369, ClinGen allele CA338790222.
Genomic context (GRCh38, chr1:19,110,412, plus strand): 5'-TCCTTTCTCTGAAAATCCCCTAACTCACCACAGCGTAACCGGAGCTCCCAGCAGCTGTCC[T>C]CCTTGGAGATAGAATCCGTCAGCAGCAGCATTTCATACTGCAGGCTACTTGCCTAGAAGG-3'
Protein context (NP_065816.2, residues 3972-3992): MLLLTDSISK[Glu3982Gly]DSCWELRLRC

ClinVar aggregate classification (germline): Uncertain significance (1 of 4 stars; one submission).

Conditions:
UBR4-related disorder. Also called: UBR4-related condition.

Submission:

PreventionGenetics, part of Exact Sciences
Classification: Uncertain significance for UBR4-related condition. Last evaluated: 2022-10-13. Review status: criteria provided, single submitter. Criteria: ACMG Guidelines, 2015. Collection method: clinical testing. Allele origin: germline.
Comment: The UBR4 c.11945A>G variant is predicted to result in the amino acid substitution p.Glu3982Gly. To our knowledge, this variant has not been reported in the literature or in a large population database, indicating this variant is rare. At this time, the clinical significance of this variant is uncertain due to the absence of conclusive functional and genetic evidence.